The following is an entry in ClinVar:

NM_005343.4(HRAS):c.133G>A (p.Val45Ile)

Genes: HRAS (HRas proto-oncogene, GTPase; minus strand), LRRC56 (leucine rich repeat containing 56; plus strand). Cytogenetic location: 11p15.5.
Variant type: single nucleotide variant.
Coding change: c.133G>A on transcript NM_005343.4 (MANE Select); coding-DNA position 133, G replaced by A.
Protein change: p.Val45Ile; replaces valine 45 with isoleucine.
Molecular consequence: missense variant. On other transcripts: 5 prime UTR variant (1).
Genome position (GRCh38, 1-based): chr11:533,923, C>T on the plus strand (G>A on the coding strand, the complement: HRAS is on the minus strand). VCF-style: chr11-533923-C-T. GRCh37 (hg19) VCF-style: chr11-533923-C-T.
Other names: c.133G>A, p.Val45Ile (NM_001130442.3, NM_176795.5); c.-187G>A (NM_001318054.2); short protein forms V45I.
Identifiers: ClinVar variation 842180 (VCV000842180.11), dbSNP rs1564789708, ClinGen allele CA378924778.

ClinVar aggregate classification (germline): Uncertain significance (1 of 4 stars; one submission).

Conditions:
Costello syndrome (CSTLO). Also called: HRAS-Related Costello Syndrome; FACIOCUTANEOSKELETAL SYNDROME; FCS SYNDROME. Identifiers: Orphanet 3071, MedGen C0587248, MONDO:0009026, OMIM 218040.

Allele frequency attached by ClinVar (database versions not stated): gnomAD exomes below 0.00001.
gnomAD v4.1: 1 of 1,612,450 alleles (0.000062%); highest among the groups gnomAD compares: South Asian, 0.0011%; no homozygotes.

Submission:

Labcorp Genetics (formerly Invitae), Labcorp
Classification: Uncertain significance for Costello syndrome. Last evaluated: 2021-07-22. Review status: criteria provided, single submitter. Criteria: Invitae Variant Classification Sherloc (09022015). Collection method: clinical testing. Allele origin: germline.
Comment: In summary, the available evidence is currently insufficient to determine the role of this variant in disease. Therefore, it has been classified as a Variant of Uncertain Significance. Algorithms developed to predict the effect of sequence changes on RNA splicing suggest that this variant may create or strengthen a splice site, but this prediction has not been confirmed by published transcriptional studies. Algorithms developed to predict the effect of missense changes on protein structure and function are either unavailable or do not agree on the potential impact of this missense change (SIFT: "Deleterious"; PolyPhen-2: "Benign"; Align-GVGD: "Class C25"). This variant has not been reported in the literature in individuals with HRAS-related conditions. This variant is not present in population databases (ExAC no frequency). This sequence change replaces valine with isoleucine at codon 45 of the HRAS protein (p.Val45Ile). The valine residue is highly conserved and there is a small physicochemical difference between valine and isoleucine.